The following is an entry in ClinVar:

NM_001365951.3(KIF1B):c.2786A>T (p.Asp929Val)

Genes: KIF1B (kinesin family member 1B; plus strand), LOC126805614 (BRD4-independent group 4 enhancer GRCh37_chr1:10385546-10386745; plus strand). Cytogenetic location: 1p36.22.
Variant type: single nucleotide variant.
Coding change: c.2786A>T on transcript NM_001365951.3 (MANE Select); coding-DNA position 2786, A replaced by T.
Protein change: p.Asp929Val; replaces aspartic acid 929 with valine.
Molecular consequence: missense variant.
Genome position (GRCh38, 1-based): chr1:10,326,221, A>T. VCF-style: chr1-10326221-A-T. GRCh37 (hg19) VCF-style: chr1-10386279-A-T.
Other names: c.2786A>T, p.Asp929Val (NM_001365952.1); c.2648A>T, p.Asp883Val (NM_015074.3); short protein forms D883V, D929V.
Identifiers: ClinVar variation 1389657 (VCV001389657.9), dbSNP rs2102301786, ClinGen allele CA338337137.
Genomic context (GRCh38, chr1:10,326,221, plus strand): 5'-CCTCCCCCACTTTTTCCACGGCCGATTCCGACATCACTGAGCTGGCTGACGAGCAGCAAG[A>T]TGAGATGGAGGATTTTGATGATGAGGCATTCGTGGATGACGCCGGCTCTGACGCAGGGAC-3'
Protein context (NP_001352880.1, residues 919-939): DITELADEQQ[Asp929Val]EMEDFDDEAF

ClinVar aggregate classification (germline): Uncertain significance. Review status: criteria provided, multiple submitters, no conflicts (2 of 4 stars). 2 submissions from 2 submitters: Uncertain significance (2). Last evaluated 2023-04-23.

Conditions:
Charcot-Marie-Tooth disease type 2. Also called: Charcot-Marie-Tooth type 2. Identifiers: Orphanet 64746, MedGen C0270914, MONDO:0018993.

Submissions (2):

Ambry Genetics
Classification: Uncertain significance. Last evaluated: 2023-04-23. Review status: criteria provided, single submitter. Criteria: Ambry Variant Classification Scheme 2023. Collection method: clinical testing. Allele origin: germline.
Comment: The p.D883V variant (also known as c.2648A>T), located in coding exon 24 of the KIF1B gene, results from an A to T substitution at nucleotide position 2648. The aspartic acid at codon 883 is replaced by valine, an amino acid with highly dissimilar properties. This amino acid position is well conserved in available vertebrate species. In addition, the in silico prediction for this alteration is inconclusive. Since supporting evidence is limited at this time, the clinical significance of this alteration remains unclear.

Labcorp Genetics (formerly Invitae), Labcorp
Classification: Uncertain significance for Charcot-Marie-Tooth disease type 2. Last evaluated: 2021-10-12. Review status: criteria provided, single submitter. Criteria: Invitae Variant Classification Sherloc (09022015). Collection method: clinical testing. Allele origin: germline.
Comment: This sequence change replaces aspartic acid with valine at codon 883 of the KIF1B protein (p.Asp883Val). The aspartic acid residue is weakly conserved and there is a large physicochemical difference between aspartic acid and valine. This variant is not present in population databases (ExAC no frequency). This variant has not been reported in the literature in individuals affected with KIF1B-related conditions. Algorithms developed to predict the effect of missense changes on protein structure and function (SIFT, PolyPhen-2, Align-GVGD) all suggest that this variant is likely to be tolerated. In summary, the available evidence is currently insufficient to determine the role of this variant in disease. Therefore, it has been classified as a Variant of Uncertain Significance.